The following is an entry in ClinVar:

NM_001903.5(CTNNA1):c.613G>T (p.Asp205Tyr)

Gene: CTNNA1 (catenin alpha 1; plus strand). Cytogenetic location: 5q31.2.
Variant type: single nucleotide variant.
Coding change: c.613G>T on transcript NM_001903.5 (MANE Select); coding-DNA position 613, G replaced by T.
Protein change: p.Asp205Tyr; replaces aspartic acid 205 with tyrosine.
Molecular consequence: missense variant.
Genome position (GRCh38, 1-based): chr5:138,824,554, G>T. VCF-style: chr5-138824554-G-T. GRCh37 (hg19) VCF-style: chr5-138160243-G-T.
Other names: c.613G>T, p.Asp205Tyr (NM_001290307.3, NM_001323982.2, NM_001323983.1 and 3 more transcripts); c.304G>T, p.Asp102Tyr (NM_001290309.3); c.244G>T, p.Asp82Tyr (NM_001290310.3); c.613G>T (NM_001903.2); short protein forms D102Y, D205Y, D82Y.
Identifiers: ClinVar variation 1998615 (VCV001998615.5), dbSNP rs1250763367, ClinGen allele CA361129447.

ClinVar aggregate classification (germline): Uncertain significance. Review status: criteria provided, multiple submitters, no conflicts (2 of 4 stars). 2 submissions from 2 submitters: Uncertain significance (2). Last evaluated 2025-08-06.

Conditions:
Hereditary cancer-predisposing syndrome. Also called: Neoplastic Syndromes, Hereditary; Hereditary neoplastic syndrome; Tumor predisposition; Hereditary Cancer Syndrome. Identifiers: Orphanet 140162, MedGen C0027672, MeSH D009386, MONDO:0015356.

gnomAD v4.1: 1 of 1,614,100 alleles (0.000062%); highest among the groups gnomAD compares: Non-Finnish European, 0.000085%; no homozygotes.

Submissions (2):

Labcorp Genetics (formerly Invitae), Labcorp
Classification: Uncertain significance. Last evaluated: 2025-08-06. Review status: criteria provided, single submitter. Criteria: Invitae Variant Classification Sherloc (09022015). Collection method: clinical testing. Allele origin: germline.
Comment: This sequence change replaces aspartic acid, which is acidic and polar, with tyrosine, which is neutral and polar, at codon 205 of the CTNNA1 protein (p.Asp205Tyr). This variant is not present in population databases (gnomAD no frequency). This variant has not been reported in the literature in individuals affected with CTNNA1-related conditions. ClinVar contains an entry for this variant (Variation ID: 1998615). Invitae Evidence Modeling of protein sequence and biophysical properties (such as structural, functional, and spatial information, amino acid conservation, physicochemical variation, residue mobility, and thermodynamic stability) indicates that this missense variant is expected to disrupt CTNNA1 protein function with a positive predictive value of 80%. In summary, the available evidence is currently insufficient to determine the role of this variant in disease. Therefore, it has been classified as a Variant of Uncertain Significance.

Ambry Genetics
Classification: Uncertain significance for Hereditary cancer-predisposing syndrome. Last evaluated: 2024-03-15. Review status: criteria provided, single submitter. Criteria: Ambry Variant Classification Scheme 2023. Collection method: clinical testing. Allele origin: germline.
Comment: The p.D205Y variant (also known as c.613G>T), located in coding exon 5 of the CTNNA1 gene, results from a G to T substitution at nucleotide position 613. The aspartic acid at codon 205 is replaced by tyrosine, an amino acid with highly dissimilar properties. This amino acid position is conserved. In addition, this alteration is predicted to be deleterious by in silico analysis. Based on the available evidence, the clinical significance of this alteration remains unclear.